The following is an entry in ClinVar:

ClinVar aggregate classification (germline): Uncertain significance. Review status: criteria provided, multiple submitters, no conflicts (2 of 4 stars). 3 submissions from 3 submitters: Uncertain significance (3). Last evaluated 2025-07-29.

Conditions:
Inborn genetic diseases. Identifiers: MedGen C0950123, MeSH D030342.

Submissions (3):

GeneDx
Classification: Uncertain significance. Last evaluated: 2025-07-29. Review status: criteria provided, single submitter. Criteria: GeneDx Variant Classification Process June 2021. Collection method: clinical testing. Allele origin: germline. Affected: yes.
Comment: Not observed at significant frequency in large population cohorts (gnomAD); In silico analysis supports that this missense variant has a deleterious effect on protein structure/function; Has not been previously published as pathogenic or benign to our knowledge

Ambry Genetics
Classification: Uncertain significance for Inborn genetic diseases. Last evaluated: 2025-04-24. Review status: criteria provided, single submitter. Criteria: Ambry Variant Classification Scheme 2023. Collection method: clinical testing. Allele origin: germline.
Comment: The p.Y86C variant (also known as c.257A>G), located in coding exon 2 of the USB1 gene, results from an A to G substitution at nucleotide position 257. The tyrosine at codon 86 is replaced by cysteine, an amino acid with highly dissimilar properties. This amino acid position is conserved. In addition, this alteration is predicted to be deleterious by in silico analysis. Based on the available evidence, the clinical significance of this variant remains unclear.

Labcorp Genetics (formerly Invitae), Labcorp
Classification: Uncertain significance. Last evaluated: 2024-02-06. Review status: criteria provided, single submitter. Criteria: Invitae Variant Classification Sherloc (09022015). Collection method: clinical testing. Allele origin: germline.
Comment: This sequence change replaces tyrosine, which is neutral and polar, with cysteine, which is neutral and slightly polar, at codon 86 of the USB1 protein (p.Tyr86Cys). This variant is not present in population databases (gnomAD no frequency). This variant has not been reported in the literature in individuals affected with USB1-related conditions. Advanced modeling of protein sequence and biophysical properties (such as structural, functional, and spatial information, amino acid conservation, physicochemical variation, residue mobility, and thermodynamic stability) performed at Invitae indicates that this missense variant is expected to disrupt USB1 protein function with a positive predictive value of 80%. In summary, the available evidence is currently insufficient to determine the role of this variant in disease. Therefore, it has been classified as a Variant of Uncertain Significance.

NM_024598.4(USB1):c.257A>G (p.Tyr86Cys)

Gene: USB1 (U6 snRNA biogenesis phosphodiesterase 1; plus strand). Cytogenetic location: 16q21.
Variant type: single nucleotide variant.
Coding change: c.257A>G on transcript NM_024598.4 (MANE Select); coding-DNA position 257, A replaced by G.
Protein change: p.Tyr86Cys; replaces tyrosine 86 with cysteine.
Molecular consequence: missense variant.
Genome position (GRCh38, 1-based): chr16:58,002,637, A>G. VCF-style: chr16-58002637-A-G. GRCh37 (hg19) VCF-style: chr16-58036541-A-G.
Other names: c.257A>G, p.Tyr86Cys (NM_001195302.2, NM_001204911.2, NM_001330569.2); c.104A>G, p.Tyr35Cys (NM_001330568.2); short protein forms Y35C, Y86C.
Identifiers: ClinVar variation 3003071 (VCV003003071.5), dbSNP rs1567416666, ClinGen allele CA396128915.
Genomic context (GRCh38, chr16:58,002,637, plus strand): 5'-AACACGGGGGACGGGTGCGCACCTTCCCCCACGAGCGAGGCAACTGGGCCACCCACGTCT[A>G]TGTACCATGTGAGTGATGTGTGAAAGGCAAGTTGCCAAGACCCATAGACCCGTAGGTGCC-3'
Protein context (NP_078874.2, residues 76-96): HERGNWATHV[Tyr86Cys]VPYEAKEEFL